The following is an entry in ClinVar:

ClinVar aggregate classification (germline): Uncertain significance. Review status: criteria provided, multiple submitters, no conflicts (2 of 4 stars). 3 submissions from 3 submitters: Uncertain significance (2). 1 of the submissions does not count toward it. Last evaluated 2024-11-27.

Conditions:
Glucose-6-phosphate transport defect (GSD1B). Also called: Glycogen Storage Disease Type Ib; GSD Ib. Identifiers: Orphanet 364, Orphanet 79259, MedGen C0268146, MONDO:0009288, OMIM 232220.

Allele frequency attached by ClinVar (database versions not stated): ESP Exome Variant Server 0.00008; gnomAD 0.00010; TOPMed 0.00013.

Submissions (3):

Labcorp Genetics (formerly Invitae), Labcorp
Classification: Uncertain significance for Glucose-6-phosphate transport defect. Last evaluated: 2024-11-27. Review status: criteria provided, single submitter. Criteria: Invitae Variant Classification Sherloc (09022015). Collection method: clinical testing. Allele origin: germline.
Comment: This sequence change falls in intron 7 of the SLC37A4 gene. It does not directly change the encoded amino acid sequence of the SLC37A4 protein. It affects a nucleotide within the consensus splice site. The frequency data for this variant in the population databases is considered unreliable, as metrics indicate poor data quality at this position in the gnomAD database. This variant has not been reported in the literature in individuals affected with SLC37A4-related conditions. ClinVar contains an entry for this variant (Variation ID: 550756). Variants that disrupt the consensus splice site are a relatively common cause of aberrant splicing (PMID: 17576681, 9536098). Algorithms developed to predict the effect of sequence changes on RNA splicing suggest that this variant is not likely to affect RNA splicing. In summary, the available evidence is currently insufficient to determine the role of this variant in disease. Therefore, it has been classified as a Variant of Uncertain Significance.

Women's Health and Genetics/Laboratory Corporation of America, LabCorp
Classification: Uncertain significance. Last evaluated: 2023-02-11. Review status: criteria provided, single submitter. Criteria: LabCorp Variant Classification Summary - May 2015. Collection method: clinical testing. Allele origin: germline.

Counsyl
Classification: Uncertain significance for Glucose-6-phosphate transport defect. Last evaluated: 2017-02-10. Review status: no assertion criteria provided. Collection method: clinical testing. Allele origin: unknown. Not counted in ClinVar's aggregate classification.

Literature cited by the submitters: PubMed 17576681 (cited by Labcorp Genetics (formerly Invitae), Labcorp); PubMed 9536098 (cited by Labcorp Genetics (formerly Invitae), Labcorp).

NM_001164277.2(SLC37A4):c.871+6C>T

Gene: SLC37A4 (solute carrier family 37 member 4; minus strand). Cytogenetic location: 11q23.3.
Variant type: single nucleotide variant.
Coding change: c.871+6C>T on transcript NM_001164277.2 (MANE Select); 6 bases into the intron after coding-DNA position 871, C replaced by T.
Molecular consequence: intron variant.
Genome position (GRCh38, 1-based): chr11:119,026,597, G>A on the plus strand (C>T on the coding strand, the complement: SLC37A4 is on the minus strand). VCF-style: chr11-119026597-G-A. GRCh37 (hg19) VCF-style: chr11-118897307-G-A.
Other names: c.652+6C>T (NM_001164279.2); c.871+6C>T (NM_001467.6, NM_001164278.2, NM_001164280.2).
Identifiers: ClinVar variation 550756 (VCV000550756.5), dbSNP rs377101167, ClinGen allele CA6311712.
Genomic context (GRCh38, chr11:119,026,597, plus strand): 5'-CTGTCCCAGCCACGCCGTGAAGACTGAAAGGGACCCTTCTCCTTCCTGTCCCTTCTGCCC[G>A]CTCACCTTTGCCATGGCCCGGTCTGACAGGTAGCCAGCTGCGATGCTGCCTACAAGGCCC-3'